The following is an entry in ClinVar:

ClinVar aggregate classification (germline): Conflicting classifications of pathogenicity. Review status: criteria provided, conflicting classifications (1 of 4 stars). 6 submissions from 6 submitters: Uncertain significance (2); Likely benign (4). Last evaluated 2026-01-08.

Conditions:
Hereditary cancer-predisposing syndrome. Also called: Neoplastic Syndromes, Hereditary; Hereditary Cancer Syndrome; Hereditary neoplastic syndrome; Tumor predisposition. Identifiers: Orphanet 140162, MedGen C0027672, MeSH D009386, MONDO:0015356.
Familial cancer of breast. Also called: hereditary breast carcinoma; Hereditary breast cancer; BREAST CANCER, FAMILIAL. Identifiers: Orphanet 227535, MedGen C0346153, MONDO:0016419, OMIM 114480. Disease mechanism: loss of function.

gnomAD v4.1: 10 of 1,614,092 alleles (0.00062%); highest among the groups gnomAD compares: African/African-American, 0.0013%; no homozygotes.

Submissions (6):

Labcorp Genetics (formerly Invitae), Labcorp
Classification: Uncertain significance for Familial cancer of breast. Last evaluated: 2026-01-08. Review status: criteria provided, single submitter. Criteria: Invitae Variant Classification Sherloc (09022015). Collection method: clinical testing. Allele origin: germline.
Comment: This sequence change replaces alanine, which is neutral and non-polar, with threonine, which is neutral and polar, at codon 491 of the PALB2 protein (p.Ala491Thr). This variant is present in population databases (rs577969558, gnomAD 0.007%). This missense change has been observed in individual(s) with breast cancer (PMID: 21618343). ClinVar contains an entry for this variant (Variation ID: 460896). Invitae Evidence Modeling of protein sequence and biophysical properties (such as structural, functional, and spatial information, amino acid conservation, physicochemical variation, residue mobility, and thermodynamic stability) indicates that this missense variant is not expected to disrupt PALB2 protein function with a negative predictive value of 80%. In summary, the available evidence is currently insufficient to determine the role of this variant in disease. Therefore, it has been classified as a Variant of Uncertain Significance.

GeneDx
Classification: Uncertain significance. Last evaluated: 2025-01-27. Review status: criteria provided, single submitter. Criteria: GeneDx Variant Classification Process June 2021. Collection method: clinical testing. Allele origin: germline. Affected: yes.
Comment: Not observed at significant frequency in large population cohorts (gnomAD); In silico analysis indicates that this missense variant does not alter protein structure/function; Observed in an individual with familial breast cancer (PMID: 21618343); This variant is associated with the following publications: (PMID: 25344691, 27248180, 25256751, 21618343)

Myriad Genetics, Inc.
Classification: Likely benign for Familial cancer of breast. Last evaluated: 2025-01-13. Review status: criteria provided, single submitter. Criteria: Myriad Autosomal Dominant, Autosomal Recessive and X-Linked Classification Criteria (2023). Collection method: clinical testing. Allele origin: unknown.
Comment: This variant is considered likely benign. This variant has been observed in trans with a known pathogenic variant in one or more individuals lacking clinical features consistent with gene-specific recessive disease.

Blueprint Genetics
Classification: Likely benign. Last evaluated: 2024-03-07. Review status: criteria provided, single submitter. Criteria: ACMG Guidelines, 2015. Collection method: clinical testing. Allele origin: germline.

Color Diagnostics, LLC DBA Color Health
Classification: Likely benign for Hereditary cancer-predisposing syndrome. Last evaluated: 2022-08-16. Review status: criteria provided, single submitter. Criteria: ACMG Guidelines, 2015. Collection method: clinical testing. Allele origin: germline.

Ambry Genetics
Classification: Likely benign for Hereditary cancer-predisposing syndrome. Last evaluated: 2017-11-01. Review status: criteria provided, single submitter. Criteria: Ambry Variant Classification Scheme 2023. Collection method: clinical testing. Allele origin: germline.

Literature cited by the submitters: PubMed 21618343 (cited by Labcorp Genetics (formerly Invitae), Labcorp).

NM_024675.4(PALB2):c.1471G>A (p.Ala491Thr)

Gene: PALB2 (partner and localizer of BRCA2; minus strand). Cytogenetic location: 16p12.2.
Variant type: single nucleotide variant.
Coding change: c.1471G>A on transcript NM_024675.4 (MANE Select); coding-DNA position 1471, G replaced by A.
Protein change: p.Ala491Thr; replaces alanine 491 with threonine.
Molecular consequence: missense variant.
Genome position (GRCh38, 1-based): chr16:23,635,075, C>T on the plus strand (G>A on the coding strand, the complement: PALB2 is on the minus strand). VCF-style: chr16-23635075-C-T. GRCh37 (hg19) VCF-style: chr16-23646396-C-T.
Other names: short protein forms A491T.
Identifiers: ClinVar variation 460896 (VCV000460896.25), dbSNP rs577969558, ClinGen allele CA279498326.